The following is an entry in ClinVar:

NM_001127222.2(CACNA1A):c.2606G>A (p.Arg869Gln)

Gene: CACNA1A (calcium voltage-gated channel subunit alpha1 A; minus strand). Cytogenetic location: 19p13.13.
Variant type: single nucleotide variant.
Coding change: c.2606G>A on transcript NM_001127222.2 (MANE Select); coding-DNA position 2606, G replaced by A.
Protein change: p.Arg869Gln; replaces arginine 869 with glutamine.
Molecular consequence: missense variant.
Genome position (GRCh38, 1-based): chr19:13,299,027, C>T on the plus strand (G>A on the coding strand, the complement: CACNA1A is on the minus strand). VCF-style: chr19-13299027-C-T. GRCh37 (hg19) VCF-style: chr19-13409841-C-T.
Other names: c.2618G>A, p.Arg873Gln (NM_000068.4, NM_023035.3); c.2609G>A, p.Arg870Gln (NM_001127221.2, NM_001174080.2); short protein forms R870Q, R869Q, R873Q.
Identifiers: ClinVar variation 373752 (VCV000373752.13), dbSNP rs1057518589, ClinGen allele CA16043089.

ClinVar aggregate classification (germline): Uncertain significance. Review status: criteria provided, multiple submitters, no conflicts (2 of 4 stars). 2 submissions from 2 submitters: Uncertain significance (2). Last evaluated 2024-03-21.

Conditions:
Developmental and epileptic encephalopathy, 42 (DEE42A). Also called: DEVELOPMENTAL AND EPILEPTIC ENCEPHALOPATHY 42A; EPILEPTIC ENCEPHALOPATHY, EARLY INFANTILE, 42A; Epileptic encephalopathy, early infantile, 42. Identifiers: MedGen C4310716, MONDO:0014917, OMIM 617106.
Episodic ataxia type 2 (EA2). Also called: ACETAZOLAMIDE-RESPONSIVE HEREDITARY PAROXYSMAL CEREBELLAR ATAXIA; ATAXIA, EPISODIC, WITH NYSTAGMUS; ATAXIA, FAMILIAL PAROXYSMAL; CEREBELLAR ATAXIA, PAROXYSMAL, ACETAZOLAMIDE-RESPONSIVE; CEREBELLOPATHY, HEREDITARY PAROXYSMAL; EPISODIC ATAXIA, NYSTAGMUS-ASSOCIATED. Identifiers: Orphanet 97, MedGen C1720416, MONDO:0007163, OMIM 108500.

Allele frequency attached by ClinVar (database versions not stated): gnomAD exomes below 0.00001; gnomAD 0.00001; TOPMed 0.00001.
gnomAD v4.1: 4 of 1,591,748 alleles (0.00025%); highest among the groups gnomAD compares: African/African-American, 0.0027%; no homozygotes.

Submissions (2):

Labcorp Genetics (formerly Invitae), Labcorp
Classification: Uncertain significance for Developmental and epileptic encephalopathy, 42; Episodic ataxia type 2. Last evaluated: 2024-03-21. Review status: criteria provided, single submitter. Criteria: Invitae Variant Classification Sherloc (09022015). Collection method: clinical testing. Allele origin: germline.
Comment: This sequence change replaces arginine, which is basic and polar, with glutamine, which is neutral and polar, at codon 870 of the CACNA1A protein (p.Arg870Gln). This variant is not present in population databases (gnomAD no frequency). This variant has not been reported in the literature in individuals affected with CACNA1A-related conditions. ClinVar contains an entry for this variant (Variation ID: 373752). Advanced modeling of protein sequence and biophysical properties (such as structural, functional, and spatial information, amino acid conservation, physicochemical variation, residue mobility, and thermodynamic stability) performed at Invitae indicates that this missense variant is not expected to disrupt CACNA1A protein function with a negative predictive value of 95%. In summary, the available evidence is currently insufficient to determine the role of this variant in disease. Therefore, it has been classified as a Variant of Uncertain Significance.

GeneDx
Classification: Uncertain significance. Last evaluated: 2020-11-27. Review status: criteria provided, single submitter. Criteria: GeneDx Variant Classification Process June 2021. Collection method: clinical testing. Allele origin: germline. Affected: yes.
Comment: In silico analysis supports that this missense variant does not alter protein structure/function; Has not been previously published as pathogenic or benign to our knowledge